The following is an entry in ClinVar:

NM_001371928.1(AHDC1):c.1125del (p.Pro376fs)

Gene: AHDC1 (AT-hook DNA binding motif containing 1; minus strand). Cytogenetic location: 1p36.11.
Variant type: Deletion.
Coding change: c.1125del on transcript NM_001371928.1 (MANE Select); coding-DNA position 1125, one base deleted (G; older notation c.1125delG).
Protein change: p.Pro376fs; shifts the reading frame from proline 376.
Molecular consequence: frameshift variant.
Genome position (GRCh38, 1-based): chr1:27,550,991, C deleted on the plus strand (G on the coding strand, the reverse complement: AHDC1 is on the minus strand); the first of 3 consecutive C bases (chr1:27,550,991-27,550,993); deleting any one gives the same sequence. VCF-style (leftmost placement, unchanged base first): chr1-27550990-GC-G. GRCh37 (hg19) VCF-style: chr1-27877501-GC-G.
Other names: p.Pro376LeufsTer76; c.1125del, p.Pro376fs (NM_001029882.3); short protein forms P376fs.
Identifiers: ClinVar variation 2626758 (VCV002626758.2), dbSNP rs2148289299, ClinGen allele CA2582341905.
Genomic context (GRCh38, chr1:27,550,990, plus strand): 5'-GGCGACACAGGATCTTTGGCCTATCAGTGCGCCGCAAGGCGTACTTGGGGTGACCCTCAG[GC>G]CCGGGGGGGCCGTGCGGTGAGCACAAGTCCAGGCGCAAGGGCTCGGCCAGTGGGCAGTGC-3'

ClinVar aggregate classification (germline): Pathogenic (1 of 4 stars; one submission).

Conditions:
AHDC1-related intellectual disability - obstructive sleep apnea - mild dysmorphism syndrome. Also called: Xia-Gibbs syndrome. Identifiers: Orphanet 412069, MedGen C4014419, MONDO:0014358, OMIM 615829.

Submission:

Laboratory of Human Genetics, Universidade de São Paulo
Classification: Pathogenic for AHDC1-related intellectual disability - obstructive sleep apnea - mild dysmorphism syndrome. Last evaluated: 2023-03-10. Review status: criteria provided, single submitter. Criteria: ACMG Guidelines, 2015. Collection method: clinical testing. Allele origin: germline. Inheritance: Autosomal dominant inheritance. Affected: yes. Observed: 1 heterozygote.
Comment: PVS1, PM2